The following is an entry in ClinVar:

NM_017739.4(POMGNT1):c.1948G>A (p.Glu650Lys)

Genes: POMGNT1 (protein O-linked mannose N-acetylglucosaminyltransferase 1 (beta 1,2-); minus strand), TSPAN1 (tetraspanin 1; plus strand). Cytogenetic location: 1p34.1.
Variant type: single nucleotide variant.
Coding change: c.1948G>A on transcript NM_017739.4 (MANE Select); coding-DNA position 1948, G replaced by A.
Protein change: p.Glu650Lys; replaces glutamic acid 650 with lysine.
Molecular consequence: missense variant. On other transcripts: intron variant (1).
Genome position (GRCh38, 1-based): chr1:46,189,305, C>T on the plus strand (G>A on the coding strand, the complement: POMGNT1 is on the minus strand). VCF-style: chr1-46189305-C-T. GRCh37 (hg19) VCF-style: chr1-46654977-C-T.
Other names: c.1882G>A, p.Glu628Lys (NM_001290129.3); c.1519G>A, p.Glu507Lys (NM_001290130.2); c.1895+153G>A (NM_001410783.1); c.1922G>A, p.Gly641Glu (NM_001243766.2); short protein forms E507K, E628K, E650K, G641E.
Identifiers: ClinVar variation 1320927 (VCV001320927.2), dbSNP rs2148161695, ClinGen allele CA340170273.

ClinVar aggregate classification (germline): Uncertain significance (1 of 4 stars; one submission).

Submission:

GeneDx
Classification: Uncertain significance. Last evaluated: 2020-02-01. Review status: criteria provided, single submitter. Criteria: GeneDx Variant Classification Process June 2021. Collection method: clinical testing. Allele origin: germline. Affected: yes.
Comment: Not observed in large population cohorts (Lek et al., 2016); Missense variants in this gene are often considered pathogenic (Stenson et al., 2014); In silico analysis supports that this missense variant does not alter protein structure/function; Has not been previously published as pathogenic or benign to our knowledge